The following is an entry in ClinVar:

ClinVar aggregate classification (germline): Uncertain significance (0 of 4 stars; one submission).

Submission:

Martin Pollak Laboratory,  Beth Israel Deaconess Medical Center
Classification: Uncertain significance. Review status: no assertion criteria provided. Collection method: not provided. Allele origin: unknown.
Comment: Lower and higher UCa2+ groups
ClinVar note: Converted during submission from unknown to Uncertain significance.

NM_004252.5(NHERF1):c.958A>T (p.Ile320Phe)

Gene: NHERF1 (NHERF family PDZ scaffold protein 1; plus strand). Cytogenetic location: 17q25.1.
Variant type: single nucleotide variant.
Coding change: c.958A>T on transcript NM_004252.5 (MANE Select); coding-DNA position 958, A replaced by T.
Protein change: p.Ile320Phe; replaces isoleucine 320 with phenylalanine.
Molecular consequence: missense variant.
Genome position (GRCh38, 1-based): chr17:74,768,537, A>T. VCF-style: chr17-74768537-A-T. GRCh37 (hg19) VCF-style: chr17-72764676-A-T.
Other names: short protein forms I320F.
Identifiers: ClinVar variation 64527 (VCV000064527.3), dbSNP rs387907537, ClinGen allele CA216339.